The following is an entry in ClinVar:

NM_000535.7(PMS2):c.1533G>T (p.Thr511=)

Gene: PMS2 (PMS1 homolog 2, mismatch repair system component; minus strand). Cytogenetic location: 7p22.1.
Variant type: single nucleotide variant.
Coding change: c.1533G>T on transcript NM_000535.7 (MANE Select); coding-DNA position 1533, G replaced by T.
Protein change: p.Thr511=; no amino-acid change (threonine 511 retained).
Molecular consequence: synonymous variant. On other transcripts: non-coding transcript variant (1).
Genome position (GRCh38, 1-based): chr7:5,987,232, C>A on the plus strand (G>T on the coding strand, the complement: PMS2 is on the minus strand). VCF-style: chr7-5987232-C-A. GRCh37 (hg19) VCF-style: chr7-6026863-C-A.
Other names: c.1128G>T, p.Thr376= (NM_001322003.2, NM_001322004.2, NM_001322005.2 and 1 more transcripts); c.1377G>T, p.Thr459= (NM_001322006.2); c.1215G>T, p.Thr405= (NM_001322007.2, NM_001322008.2); c.972G>T, p.Thr324= (NM_001322010.2); c.600G>T, p.Thr200= (NM_001322011.2, NM_001322012.2); c.960G>T, p.Thr320= (NM_001322013.2); c.1533G>T, p.Thr511= (NM_001322014.2); c.1224G>T, p.Thr408= (NM_001322015.2).
Identifiers: ClinVar variation 381492 (VCV000381492.22), dbSNP rs542520309, ClinGen allele CA16605346.

ClinVar aggregate classification (germline): Benign/Likely benign. Review status: criteria provided, multiple submitters, no conflicts (2 of 4 stars). 9 submissions from 9 submitters: Benign (1); Likely benign (8). Last evaluated 2025-12-29.

Conditions:
Hereditary nonpolyposis colorectal neoplasms. Identifiers: MedGen C0009405, MeSH D003123.
Hereditary cancer-predisposing syndrome. Also called: Tumor predisposition; Hereditary neoplastic syndrome; Neoplastic Syndromes, Hereditary; Hereditary Cancer Syndrome. Identifiers: Orphanet 140162, MedGen C0027672, MeSH D009386, MONDO:0015356.
Lynch syndrome. Identifiers: Orphanet 144, MedGen C4552100, MONDO:0005835. Disease mechanism: loss of function.
Lynch syndrome 4 (LYNCH4). Also called: Colorectal cancer, hereditary nonpolyposis, type 4; Hereditary non-polyposis colorectal cancer, type 4. Identifiers: Orphanet 144, MedGen C1838333, MONDO:0013699, OMIM 614337. Disease mechanism: loss of function.

gnomAD v4.1: 2 of 1,614,044 alleles (0.00012%); highest among the groups gnomAD compares: Non-Finnish European, 0.00017%; no homozygotes.

Submissions (9):

Labcorp Genetics (formerly Invitae), Labcorp
Classification: Likely benign for Hereditary nonpolyposis colorectal neoplasms. Last evaluated: 2025-12-29. Review status: criteria provided, single submitter. Criteria: Invitae Variant Classification Sherloc (09022015). Collection method: clinical testing. Allele origin: germline.

Quest Diagnostics Nichols Institute San Juan Capistrano
Classification: Likely benign. Last evaluated: 2025-10-30. Review status: criteria provided, single submitter. Criteria: Quest Diagnostics criteria. Collection method: clinical testing. Allele origin: unknown.

Myriad Genetics, Inc.
Classification: Benign for Lynch syndrome 4. Last evaluated: 2025-01-30. Review status: criteria provided, single submitter. Criteria: Myriad Autosomal Dominant, Autosomal Recessive and X-Linked Classification Criteria (2023). Collection method: clinical testing. Allele origin: unknown.
Comment: This variant is considered benign. This variant is a silent/synonymous amino acid change and it is not expected to impact splicing.

All of Us Research Program, National Institutes of Health
Classification: Likely benign for Lynch syndrome. Last evaluated: 2023-12-13. Review status: criteria provided, single submitter. Criteria: ACMG Guidelines, 2015. Collection method: clinical testing. Allele origin: germline. Inheritance: Autosomal dominant inheritance. Observed: 1 variant allele, 1 heterozygote.
Comment: This study involves interpretation of variants in research participants for the purpose of population health screening. Participant phenotype was not available at the time of variant classification. Additional details can be found in publication PMID: 35346344, PMCID: PMC8962531

GeneKor MSA
Classification: Likely benign for Hereditary cancer-predisposing syndrome. Last evaluated: 2018-08-01. Review status: criteria provided, single submitter. Criteria: ACMG Guidelines, 2015. Collection method: clinical testing. Allele origin: germline.

University of Washington Department of Laboratory Medicine, University of Washington
Classification: Likely benign for Lynch syndrome. Last evaluated: 2018-05-01. Review status: criteria provided, single submitter. Criteria: Shirts BH et al. (Am J Hum Genet 2018). Collection method: clinical testing. Allele origin: somatic. Affected: yes.
Comment: PMS2 NM_000535.5:c.1533G>T has a 1.0% probability of pathogenicity based on combining prior probability from public data with a likelihood ratio of 0.20 to 1, generated from evidence of seeing this as a somatic mutation in a tumor without loss of heterozygosity at the PMS2 locus. See Shirts et al 2018, PMID 29887214.

Color Diagnostics, LLC DBA Color Health
Classification: Likely benign for Hereditary cancer-predisposing syndrome. Last evaluated: 2018-02-08. Review status: criteria provided, single submitter. Criteria: ACMG Guidelines, 2015. Collection method: clinical testing. Allele origin: germline.

Ambry Genetics
Classification: Likely benign for Hereditary cancer-predisposing syndrome. Last evaluated: 2016-05-31. Review status: criteria provided, single submitter. Criteria: Ambry Variant Classification Scheme 2023. Collection method: clinical testing. Allele origin: germline.

GeneDx
Classification: Likely benign. Last evaluated: 2015-11-23. Review status: criteria provided, single submitter. Criteria: GeneDx Variant Classification (06012015). Collection method: clinical testing. Allele origin: germline. Affected: yes.
Comment: This variant is considered likely benign or benign based on one or more of the following criteria: it is a conservative change, it occurs at a poorly conserved position in the protein, it is predicted to be benign by multiple in silico algorithms, and/or has population frequency not consistent with disease.